The following is an entry in ClinVar:

NM_001174089.2(SLC4A11):c.2386C>T (p.Gln796Ter)

Gene: SLC4A11 (solute carrier family 4 member 11; minus strand). Cytogenetic location: 20p13.
Variant type: single nucleotide variant.
Coding change: c.2386C>T on transcript NM_001174089.2 (MANE Select); coding-DNA position 2386, C replaced by T.
Protein change: p.Gln796Ter; replaces glutamine 796 with a stop codon.
Molecular consequence: nonsense. On other transcripts: non-coding transcript variant (3).
Genome position (GRCh38, 1-based): chr20:3,228,514, G>A on the plus strand (C>T on the coding strand, the complement: SLC4A11 is on the minus strand). VCF-style: chr20-3228514-G-A. GRCh37 (hg19) VCF-style: chr20-3209160-G-A.
Other names: c.2515C>T, p.Gln839Ter (NM_001174090.2); c.2272C>T, p.Gln758Ter (NM_001363745.2); c.2329C>T, p.Gln777Ter (NM_001400277.1, NM_001400278.1, NM_001400279.1); c.2401C>T, p.Gln801Ter (NM_001400280.1); c.2434C>T, p.Gln812Ter (NM_032034.4); short protein forms Q796*, Q839*, Q758*, Q812*, Q777*, Q801*.
Identifiers: ClinVar variation 4744868 (VCV004744868.1).
Genomic context (GRCh38, chr20:3,228,514, plus strand): 5'-GGCAGGCATGGGGCTGTGTCCCCACCCACGCCACTCCCTCGCAGGGCCAAGCGCTCACCT[G>A]CTCCTTGAGCAGCAGGGCCACGCGCTGGACGAGCTGGTTGCCATCGAGGGAGGTGAGCGC-3'

ClinVar aggregate classification (germline): Pathogenic (1 of 4 stars; one submission).

Submission:

Labcorp Genetics (formerly Invitae), Labcorp
Classification: Pathogenic. Last evaluated: 2026-01-13. Review status: criteria provided, single submitter. Criteria: Invitae Variant Classification Sherloc (09022015). Collection method: clinical testing. Allele origin: germline.
Comment: This sequence change creates a premature translational stop signal (p.Gln812*) in the SLC4A11 gene. It is expected to result in an absent or disrupted protein product. Loss-of-function variants in SLC4A11 are known to be pathogenic (PMID: 17220209, 17679935). This variant is not present in population databases (gnomAD no frequency). This variant has not been reported in the literature in individuals affected with SLC4A11-related conditions. For these reasons, this variant has been classified as Pathogenic.

Literature cited by the submitters: PubMed 17220209; PubMed 17679935.